The following is an entry in ClinVar:

NM_002878.4(RAD51D):c.83-8G>A

Genes: RAD51D (RAD51 paralog D; minus strand), RAD51L3-RFFL (RAD51L3-RFFL readthrough; minus strand). Cytogenetic location: 17q12.
Variant type: single nucleotide variant.
Coding change: c.83-8G>A on transcript NM_002878.4 (MANE Select); 8 bases into the intron before coding-DNA position 83, G replaced by A.
Molecular consequence: intron variant.
Genome position (GRCh38, 1-based): chr17:35,119,180, C>T on the plus strand (G>A on the coding strand, the complement: RAD51D is on the minus strand). VCF-style: chr17-35119180-C-T. GRCh37 (hg19) VCF-style: chr17-33446199-C-T.
Other names: c.83-8G>A (NM_133629.3, NM_001142571.2).
Identifiers: ClinVar variation 1629554 (VCV001629554.9), dbSNP rs1567735932, ClinGen allele CA2573153702.

ClinVar aggregate classification (germline): Likely benign. Review status: criteria provided, multiple submitters, no conflicts (2 of 4 stars). 2 submissions from 2 submitters: Likely benign (2). Last evaluated 2025-02-20.

Conditions:
Breast-ovarian cancer, familial, susceptibility to, 4. Identifiers: Orphanet 145, MedGen C3280345, MONDO:0013669, OMIM 614291.

Submissions (2):

Myriad Genetics, Inc.
Classification: Likely benign for Breast-ovarian cancer, familial, susceptibility to, 4. Last evaluated: 2025-02-20. Review status: criteria provided, single submitter. Criteria: Myriad Autosomal Dominant, Autosomal Recessive and X-Linked Classification Criteria (2023). Collection method: clinical testing. Allele origin: unknown.
Comment: This variant is considered likely benign. This variant is intronic and is not expected to impact mRNA splicing.

Labcorp Genetics (formerly Invitae), Labcorp
Classification: Likely benign for Breast-ovarian cancer, familial, susceptibility to, 4. Last evaluated: 2021-02-01. Review status: criteria provided, single submitter. Criteria: Invitae Variant Classification Sherloc (09022015). Collection method: clinical testing. Allele origin: germline.